The following is an entry in ClinVar:

ClinVar aggregate classification (germline): Uncertain significance (1 of 4 stars; one submission).

gnomAD v4.1: 2 of 1,614,222 alleles (0.00012%); highest among the groups gnomAD compares: African/African-American, 0.0013%; no homozygotes.

Submission:

GeneDx
Classification: Uncertain significance. Last evaluated: 2024-07-31. Review status: criteria provided, single submitter. Criteria: GeneDx Variant Classification Process June 2021. Collection method: clinical testing. Allele origin: germline. Affected: yes.
Comment: In silico analysis supports that this missense variant has a deleterious effect on protein structure/function; Has not been previously published as pathogenic or benign to our knowledge

NM_001282531.3(ADNP):c.1955C>T (p.Thr652Met)

Gene: ADNP (activity dependent neuroprotector homeobox; minus strand). Cytogenetic location: 20q13.13.
Variant type: single nucleotide variant.
Coding change: c.1955C>T on transcript NM_001282531.3 (MANE Select); coding-DNA position 1955, C replaced by T.
Protein change: p.Thr652Met; replaces threonine 652 with methionine.
Molecular consequence: missense variant.
Genome position (GRCh38, 1-based): chr20:50,892,759, G>A on the plus strand (C>T on the coding strand, the complement: ADNP is on the minus strand). VCF-style: chr20-50892759-G-A. GRCh37 (hg19) VCF-style: chr20-49509296-G-A.
Other names: c.1955C>T, p.Thr652Met (NM_001282532.2, NM_001347511.2, NM_015339.5 and 1 more transcripts); short protein forms T652M.
Identifiers: ClinVar variation 3602260 (VCV003602260.1).